The following is an entry in ClinVar:

ClinVar aggregate classification (germline): Likely benign (1 of 4 stars; one submission).

Allele frequency attached by ClinVar (database versions not stated): gnomAD exomes 0.00001 and 0.00002; ExAC 0.00002.
gnomAD v4.1: 4 of 1,613,124 alleles (0.00025%); highest among the groups gnomAD compares: South Asian, 0.0044%; no homozygotes.

Submission:

GeneDx
Classification: Likely benign. Last evaluated: 2017-10-20. Review status: criteria provided, single submitter. Criteria: GeneDx Variant Classification (06012015). Collection method: clinical testing. Allele origin: germline. Affected: yes.
Comment: This variant is considered likely benign or benign based on one or more of the following criteria: it is a conservative change, it occurs at a poorly conserved position in the protein, it is predicted to be benign by multiple in silico algorithms, and/or has population frequency not consistent with disease.

NM_001267550.2(TTN):c.31737G>A (p.Lys10579=)

Gene: TTN (titin; minus strand). Cytogenetic location: 2q31.2.
Variant type: single nucleotide variant.
Coding change: c.31737G>A on transcript NM_001267550.2 (MANE Select); coding-DNA position 31737, G replaced by A.
Protein change: p.Lys10579=; no amino-acid change (lysine 10579 retained).
Molecular consequence: synonymous variant. On other transcripts: intron variant (3).
Genome position (GRCh38, 1-based): chr2:178,692,041, C>T on the plus strand (G>A on the coding strand, the complement: TTN is on the minus strand). VCF-style: chr2-178692041-C-T. GRCh37 (hg19) VCF-style: chr2-179556768-C-T.
Other names: c.30786G>A, p.Lys10262= (NM_001256850.1); c.28005G>A, p.Lys9335= (NM_133378.4); c.13282+46041G>A (NM_003319.4); c.13858+46041G>A (NM_133437.4); c.13657+46041G>A (NM_133432.3).
Identifiers: ClinVar variation 512956 (VCV000512956.1), dbSNP rs763013094, ClinGen allele CA1998867.
Genomic context (GRCh38, chr2:178,692,041, plus strand): 5'-AGCAAAGAGTCTCCCCATCATTGGCTCTGGCGTACCTTTTGGGGGAGCAGCAGGTTCCTT[C>T]TTAGGCACAGGAACTGGCTTTTTCTCCTCTGGCACGGGTTTCTTGGGAACCTCAGGAACT-3'
Protein context (NP_001254479.2, residues 10569-10589): PEEKKPVPVP[Lys10579=]KEPAAPPKVP